The following is an entry in ClinVar:

NM_001079.4(ZAP70):c.692C>A (p.Thr231Lys)

Gene: ZAP70 (zeta chain of T cell receptor associated protein kinase 70; plus strand). Cytogenetic location: 2q11.2.
Variant type: single nucleotide variant.
Coding change: c.692C>A on transcript NM_001079.4 (MANE Select); coding-DNA position 692, C replaced by A.
Protein change: p.Thr231Lys; replaces threonine 231 with lysine.
Molecular consequence: missense variant.
Genome position (GRCh38, 1-based): chr2:97,733,011, C>A. VCF-style: chr2-97733011-C-A. GRCh37 (hg19) VCF-style: chr2-98349474-C-A.
Other names: c.692C>A, p.Thr231Lys (NM_001378594.1); short protein forms T231K.
Identifiers: ClinVar variation 3669648 (VCV003669648.2).

ClinVar aggregate classification (germline): Uncertain significance (1 of 4 stars; one submission).

Conditions:
Combined immunodeficiency due to ZAP70 deficiency (IMD48). Also called: Immunodeficiency 48; ZAP70 Deficiency. Identifiers: Orphanet 911, MedGen C2931299, MONDO:0010023, OMIM 269840.

gnomAD v4.1: 1 of 1,614,138 alleles (0.000062%); highest among the groups gnomAD compares: Non-Finnish European, 0.000085%; no homozygotes.

Submission:

Labcorp Genetics (formerly Invitae), Labcorp
Classification: Uncertain significance for Combined immunodeficiency due to ZAP70 deficiency. Last evaluated: 2024-03-20. Review status: criteria provided, single submitter. Criteria: Invitae Variant Classification Sherloc (09022015). Collection method: clinical testing. Allele origin: germline.
Comment: This sequence change replaces threonine, which is neutral and polar, with lysine, which is basic and polar, at codon 231 of the ZAP70 protein (p.Thr231Lys). This variant is present in population databases (rs141613906, gnomAD 0.0009%). This variant has not been reported in the literature in individuals affected with ZAP70-related conditions. An algorithm developed to predict the effect of missense changes on protein structure and function (PolyPhen-2) suggests that this variant is likely to be disruptive. In summary, the available evidence is currently insufficient to determine the role of this variant in disease. Therefore, it has been classified as a Variant of Uncertain Significance.